The following is an entry in ClinVar:

ClinVar aggregate classification (germline): Uncertain significance (1 of 4 stars; one submission).

Conditions:
Duane-radial ray syndrome (DRRS). Also called: Duane-Radial Ray Syndrome/Okihiro Syndrome; Okihiro Syndrome; Duane-Radial Ray Syndrome (DRRS) / Okihiro Syndrome; ACRORENOOCULAR SYNDROME; DR SYNDROME; DUANE ANOMALY WITH RADIAL RAY ABNORMALITIES AND DEAFNESS. Identifiers: Orphanet 93293, Orphanet 959, MedGen C1623209, MONDO:0011812, OMIM 607323. Disease mechanism: gain of function.

Allele frequency attached by ClinVar (database versions not stated): gnomAD exomes below 0.00001; ExAC 0.00001; gnomAD 0.00002; TOPMed 0.00002.
gnomAD v4.1: 4 of 1,614,020 alleles (0.00025%); highest among the groups gnomAD compares: African/African-American, 0.0053%; no homozygotes.

Submission:

Labcorp Genetics (formerly Invitae), Labcorp
Classification: Uncertain significance for Duane-radial ray syndrome. Last evaluated: 2024-10-30. Review status: criteria provided, single submitter. Criteria: Invitae Variant Classification Sherloc (09022015). Collection method: clinical testing. Allele origin: germline.
Comment: This sequence change replaces alanine, which is neutral and non-polar, with valine, which is neutral and non-polar, at codon 200 of the SALL4 protein (p.Ala200Val). This variant is not present in population databases (gnomAD no frequency). This variant has not been reported in the literature in individuals affected with SALL4-related conditions. ClinVar contains an entry for this variant (Variation ID: 2150726). An algorithm developed to predict the effect of missense changes on protein structure and function outputs the following: PolyPhen-2: "Benign". The valine amino acid residue is found in multiple mammalian species, which suggests that this missense change does not adversely affect protein function. In summary, the available evidence is currently insufficient to determine the role of this variant in disease. Therefore, it has been classified as a Variant of Uncertain Significance.

NM_020436.5(SALL4):c.599C>T (p.Ala200Val)

Gene: SALL4 (spalt like transcription factor 4; minus strand). Cytogenetic location: 20q13.2.
Variant type: single nucleotide variant.
Coding change: c.599C>T on transcript NM_020436.5 (MANE Select); coding-DNA position 599, C replaced by T.
Protein change: p.Ala200Val; replaces alanine 200 with valine.
Molecular consequence: missense variant.
Genome position (GRCh38, 1-based): chr20:51,791,884, G>A on the plus strand (C>T on the coding strand, the complement: SALL4 is on the minus strand). VCF-style: chr20-51791884-G-A. GRCh37 (hg19) VCF-style: chr20-50408423-G-A.
Other names: c.599C>T, p.Ala200Val (NM_001318031.2); short protein forms A200V.
Identifiers: ClinVar variation 2150726 (VCV002150726.4), dbSNP rs771411826, ClinGen allele CA9912424.